The following is an entry in ClinVar:

ClinVar aggregate classification (germline): Uncertain significance (1 of 4 stars; one submission).

Allele frequency attached by ClinVar (database versions not stated): ExAC 0.00001; gnomAD exomes 0.00001; TOPMed 0.00008; gnomAD 0.00011; ESP Exome Variant Server 0.00015.
gnomAD v4.1: 26 of 1,613,904 alleles (0.0016%); highest among the groups gnomAD compares: African/African-American, 0.032%; no homozygotes.

Submission:

Labcorp Genetics (formerly Invitae), Labcorp
Classification: Uncertain significance. Last evaluated: 2025-08-27. Review status: criteria provided, single submitter. Criteria: Invitae Variant Classification Sherloc (09022015). Collection method: clinical testing. Allele origin: germline.
Comment: This sequence change affects codon 281 of the LRP6 mRNA. It is a 'silent' change, meaning that it does not change the encoded amino acid sequence of the LRP6 protein. It affects a nucleotide within the consensus splice site. This variant is present in population databases (rs139760621, gnomAD 0.02%). This variant has not been reported in the literature in individuals affected with LRP6-related conditions. ClinVar contains an entry for this variant (Variation ID: 2176514). Algorithms developed to predict the effect of sequence changes on RNA splicing suggest that this variant is not likely to affect RNA splicing. In summary, the available evidence is currently insufficient to determine the role of this variant in disease. Therefore, it has been classified as a Variant of Uncertain Significance.

NM_002336.3(LRP6):c.843T>C (p.Asn281=)

Gene: LRP6 (LDL receptor related protein 6; minus strand). Cytogenetic location: 12p13.2.
Variant type: single nucleotide variant.
Coding change: c.843T>C on transcript NM_002336.3 (MANE Select); coding-DNA position 843, T replaced by C.
Protein change: p.Asn281=; no amino-acid change (asparagine 281 retained).
Molecular consequence: synonymous variant. On other transcripts: non-coding transcript variant (1).
Genome position (GRCh38, 1-based): chr12:12,186,924, A>G on the plus strand (T>C on the coding strand, the complement: LRP6 is on the minus strand). VCF-style: chr12-12186924-A-G. GRCh37 (hg19) VCF-style: chr12-12339858-A-G.
Other names: c.843T>C, p.Asn281= (NM_001414244.1, NM_001414245.1, NM_001414246.1 and 5 more transcripts); c.645T>C, p.Asn215= (NM_001414247.1); c.390T>C, p.Asn130= (NM_001414252.1, NM_001414253.1, NM_001414254.1).
Identifiers: ClinVar variation 2176514 (VCV002176514.4), dbSNP rs139760621, ClinGen allele CA6455804.